The following is an entry in ClinVar:

NM_000095.3(COMP):c.1585A>G (p.Thr529Ala)

Gene: COMP (cartilage oligomeric matrix protein; minus strand). Cytogenetic location: 19p13.11.
Variant type: single nucleotide variant.
Coding change: c.1585A>G on transcript NM_000095.3 (MANE Select); coding-DNA position 1585, A replaced by G.
Protein change: p.Thr529Ala; replaces threonine 529 with alanine.
Molecular consequence: missense variant.
Genome position (GRCh38, 1-based): chr19:18,785,756, T>C on the plus strand (A>G on the coding strand, the complement: COMP is on the minus strand). VCF-style: chr19-18785756-T-C. GRCh37 (hg19) VCF-style: chr19-18896566-T-C.
Other names: short protein forms T529A.
Identifiers: ClinVar variation 3775976 (VCV003775976.1).

ClinVar aggregate classification (germline): Likely pathogenic (1 of 4 stars; one submission).

Conditions:
Pseudoachondroplastic spondyloepiphyseal dysplasia syndrome (PSACH). Also called: COMP-Related Pseudoachondroplasia; PSEUDOACHONDROPLASTIC DYSPLASIA; Pseudoachondroplasia. Identifiers: Orphanet 750, MedGen C0410538, MONDO:0008322, OMIM 177170.

Submission:

3billion
Classification: Likely pathogenic for Pseudoachondroplastic spondyloepiphyseal dysplasia syndrome. Last evaluated: 2023-07-07. Review status: criteria provided, single submitter. Criteria: ACMG Guidelines, 2015. Collection method: clinical testing. Allele origin: germline. Affected: yes.
Comment: The variant is not observed in the gnomAD v2.1.1 dataset. Predicted Consequence/Location: Missense changes are a common disease-causing mechanism. In silico tool predictions suggest damaging effect of the variant on gene or gene product (REVEL: 0.87; 3Cnet: 0.44). Same nucleotide change resulting in same amino acid change has been previously reported to be associated with COMP related disorder (PMID: 26377240).A different missense change at the same codon (p.Thr529Ile) has been reported to be associated with COMP related disorder (PMID: 15756302). Therefore, this variant is classified as Likely pathogenic according to the recommendation of ACMG/AMP guideline.

Literature cited by the submitters: PubMed 15756302; PubMed 26377240.